The following is an entry in ClinVar:

ClinVar aggregate classification (germline): Uncertain significance (1 of 4 stars; one submission).

Conditions:
Hereditary cancer-predisposing syndrome. Also called: Neoplastic Syndromes, Hereditary; Tumor predisposition; Hereditary neoplastic syndrome; Hereditary Cancer Syndrome. Identifiers: Orphanet 140162, MedGen C0027672, MeSH D009386, MONDO:0015356.

Submission:

Ambry Genetics
Classification: Uncertain significance for Hereditary cancer-predisposing syndrome. Last evaluated: 2026-07-20. Review status: criteria provided, single submitter. Criteria: Ambry Variant Classification Scheme 2023. Collection method: clinical testing. Allele origin: germline.
Comment: The p.P133Q variant (also known as c.398C>A), located in coding exon 3 of the SMARCA4 gene, results from a C to A substitution at nucleotide position 398. The proline at codon 133 is replaced by glutamine, an amino acid with similar properties. This amino acid position is conserved. In addition, the in silico prediction for this alteration is inconclusive. Based on the available evidence, the clinical significance of this variant remains unclear.

NM_003072.5(SMARCA4):c.398C>A (p.Pro133Gln)

Gene: SMARCA4 (SWI/SNF related BAF chromatin remodeling complex subunit ATPase 4; plus strand). Cytogenetic location: 19p13.2.
Variant type: single nucleotide variant.
Coding change: c.398C>A on transcript NM_003072.5 (MANE Select); coding-DNA position 398, C replaced by A.
Protein change: p.Pro133Gln; replaces proline 133 with glutamine.
Molecular consequence: missense variant. On other transcripts: non-coding transcript variant (1).
Genome position (GRCh38, 1-based): chr19:10,986,231, C>A. VCF-style: chr19-10986231-C-A. GRCh37 (hg19) VCF-style: chr19-11096907-C-A.
Other names: c.398C>A, p.Pro133Gln (NM_001128844.3, NM_001128845.2, NM_001128846.2 and 6 more transcripts); short protein forms P133Q.
Identifiers: ClinVar variation 5029866 (VCV005029866.1).